The following is an entry in ClinVar:

ClinVar aggregate classification (germline): Uncertain significance. Review status: criteria provided, multiple submitters, no conflicts (2 of 4 stars). 2 submissions from 2 submitters: Uncertain significance (2). Last evaluated 2026-07-13.

Conditions:
Bloom syndrome (BLM). Also called: Bloom-Torre-Machacek syndrome. Identifiers: Orphanet 125, MedGen C0005859, MONDO:0008876, OMIM 210900.
Hereditary cancer-predisposing syndrome. Also called: Hereditary Cancer Syndrome; Hereditary neoplastic syndrome; Neoplastic Syndromes, Hereditary; Tumor predisposition. Identifiers: Orphanet 140162, MedGen C0027672, MeSH D009386, MONDO:0015356.

gnomAD v4.1: 2 of 1,614,114 alleles (0.00012%); highest among the groups gnomAD compares: Non-Finnish European, 0.00017%; no homozygotes.

Submissions (2):

Ambry Genetics
Classification: Uncertain significance for Hereditary cancer-predisposing syndrome. Last evaluated: 2026-07-13. Review status: criteria provided, single submitter. Criteria: Ambry Variant Classification Scheme 2023. Collection method: clinical testing. Allele origin: germline.
Comment: The p.G1308A variant (also known as c.3923G>C), located in coding exon 20 of the BLM gene, results from a G to C substitution at nucleotide position 3923. The glycine at codon 1308 is replaced by alanine, an amino acid with similar properties. This amino acid position is conserved. In addition, this alteration is predicted to be tolerated by in silico analysis. Based on the available evidence, the clinical significance of this variant remains unclear.

Labcorp Genetics (formerly Invitae), Labcorp
Classification: Uncertain significance for Bloom syndrome. Last evaluated: 2023-09-29. Review status: criteria provided, single submitter. Criteria: Invitae Variant Classification Sherloc (09022015). Collection method: clinical testing. Allele origin: germline.
Comment: Advanced modeling of protein sequence and biophysical properties (such as structural, functional, and spatial information, amino acid conservation, physicochemical variation, residue mobility, and thermodynamic stability) performed at Invitae indicates that this missense variant is not expected to disrupt BLM protein function. This variant has not been reported in the literature in individuals affected with BLM-related conditions. This variant is not present in population databases (gnomAD no frequency). This sequence change replaces glycine, which is neutral and non-polar, with alanine, which is neutral and non-polar, at codon 1308 of the BLM protein (p.Gly1308Ala). In summary, the available evidence is currently insufficient to determine the role of this variant in disease. Therefore, it has been classified as a Variant of Uncertain Significance.

NM_000057.4(BLM):c.3923G>C (p.Gly1308Ala)

Gene: BLM (BLM RecQ like helicase; plus strand). Cytogenetic location: 15q26.1.
Variant type: single nucleotide variant.
Coding change: c.3923G>C on transcript NM_000057.4 (MANE Select); coding-DNA position 3923, G replaced by C.
Protein change: p.Gly1308Ala; replaces glycine 1308 with alanine.
Molecular consequence: missense variant.
Genome position (GRCh38, 1-based): chr15:90,811,253, G>C. VCF-style: chr15-90811253-G-C. GRCh37 (hg19) VCF-style: chr15-91354483-G-C.
Other names: c.3923G>C, p.Gly1308Ala (NM_001287246.2); c.3530G>C, p.Gly1177Ala (NM_001287247.2); c.2798G>C, p.Gly933Ala (NM_001287248.2); short protein forms G1308A, G933A, G1177A.
Identifiers: ClinVar variation 2977385 (VCV002977385.4), dbSNP rs750865930, ClinGen allele CA393850613.